The following is an entry in ClinVar:

ClinVar aggregate classification (germline): Uncertain significance. Review status: criteria provided, multiple submitters, no conflicts (2 of 4 stars). 3 submissions from 3 submitters: Uncertain significance (3). Last evaluated 2026-02-13.

Conditions:
Long QT syndrome (LQTS). Identifiers: MedGen C0023976, MeSH D008133, MONDO:0002442. Disease mechanism: loss of function. Inheritance: Various modes of inheritance.
Familial hyperaldosteronism type III. Also called: Familial hyperaldosteronism type 3; FH III. Identifiers: Orphanet 251274, MedGen C3838758, MONDO:0013359, OMIM 613677.
Long QT syndrome 13 (LQT13). Identifiers: Orphanet 101016, Orphanet 768, MedGen C3150733, MONDO:0013279, OMIM 613485.
Cardiovascular phenotype. Identifiers: MedGen CN230736.

Allele frequency attached by ClinVar (database versions not stated): gnomAD exomes below 0.00001; gnomAD 0.00001; TOPMed 0.00001.
gnomAD v4.1: 2 of 1,613,774 alleles (0.00012%); highest among the groups gnomAD compares: Non-Finnish European, 0.00017%; no homozygotes.

Submissions (3):

Ambry Genetics
Classification: Uncertain significance for Cardiovascular phenotype. Last evaluated: 2026-02-13. Review status: criteria provided, single submitter. Criteria: Ambry Variant Classification Scheme 2023. Collection method: clinical testing. Allele origin: germline.
Comment: The p.D266N variant (also known as c.796G>A), located in coding exon 1 of the KCNJ5 gene, results from a G to A substitution at nucleotide position 796. The aspartic acid at codon 266 is replaced by asparagine, an amino acid with highly similar properties. This amino acid position is highly conserved in available vertebrate species. In addition, the in silico prediction for this alteration is inconclusive. Based on the available evidence, the clinical significance of this variant remains unclear.

Labcorp Genetics (formerly Invitae), Labcorp
Classification: Uncertain significance for Long QT syndrome. Last evaluated: 2024-11-04. Review status: criteria provided, single submitter. Criteria: Invitae Variant Classification Sherloc (09022015). Collection method: clinical testing. Allele origin: germline.
Comment: This sequence change replaces aspartic acid, which is acidic and polar, with asparagine, which is neutral and polar, at codon 266 of the KCNJ5 protein (p.Asp266Asn). This variant is present in population databases (no rsID available, gnomAD 0.007%). This variant has not been reported in the literature in individuals affected with KCNJ5-related conditions. ClinVar contains an entry for this variant (Variation ID: 2163554). Invitae Evidence Modeling of protein sequence and biophysical properties (such as structural, functional, and spatial information, amino acid conservation, physicochemical variation, residue mobility, and thermodynamic stability) indicates that this missense variant is not expected to disrupt KCNJ5 protein function with a negative predictive value of 80%. In summary, the available evidence is currently insufficient to determine the role of this variant in disease. Therefore, it has been classified as a Variant of Uncertain Significance.

Fulgent Genetics
Classification: Uncertain significance for Long QT syndrome 13; Familial hyperaldosteronism type III. Last evaluated: 2023-12-26. Review status: criteria provided, single submitter. Criteria: ACMG Guidelines, 2015. Collection method: clinical testing. Allele origin: germline.

NM_000890.5(KCNJ5):c.796G>A (p.Asp266Asn)

Gene: KCNJ5 (potassium inwardly rectifying channel subfamily J member 5; plus strand). Cytogenetic location: 11q24.3.
Variant type: single nucleotide variant.
Coding change: c.796G>A on transcript NM_000890.5 (MANE Select); coding-DNA position 796, G replaced by A.
Protein change: p.Asp266Asn; replaces aspartic acid 266 with asparagine.
Molecular consequence: missense variant.
Genome position (GRCh38, 1-based): chr11:128,912,069, G>A. VCF-style: chr11-128912069-G-A. GRCh37 (hg19) VCF-style: chr11-128781964-G-A.
Other names: c.796G>A, p.Asp266Asn (NM_001354169.2); short protein forms D266N.
Identifiers: ClinVar variation 2163554 (VCV002163554.6), dbSNP rs1382039850, ClinGen allele CA383250296.
Genomic context (GRCh38, chr11:128,912,069, plus strand): 5'-GAGGGGGAGTTCATCCCCCTGAACCAGACAGACATCAACGTGGGCTTTGACACGGGCGAC[G>A]ACCGCCTCTTCCTTGTGTCTCCTCTGATCATCTCCCATGAGATCAACCAGAAGAGCCCTT-3'
Protein context (NP_000881.3, residues 256-276): DINVGFDTGD[Asp266Asn]RLFLVSPLII